The following is an entry in ClinVar:

NM_001002294.3(FMO3):c.406G>T (p.Glu136Ter)

Genes: FMO3 (flavin containing dimethylaniline monoxygenase 3; plus strand), LOC126805916 (BRD4-independent group 4 enhancer GRCh37_chr1:171076844-171078043; plus strand). Cytogenetic location: 1q24.3.
Variant type: single nucleotide variant.
Coding change: c.406G>T on transcript NM_001002294.3 (MANE Select); coding-DNA position 406, G replaced by T.
Protein change: p.Glu136Ter; replaces glutamic acid 136 with a stop codon.
Molecular consequence: nonsense.
Genome position (GRCh38, 1-based): chr1:171,107,759, G>T. VCF-style: chr1-171107759-G-T. GRCh37 (hg19) VCF-style: chr1-171076900-G-T.
Other names: c.346G>T, p.Glu116Ter (NM_001319173.2); c.217G>T, p.Glu73Ter (NM_001319174.2); c.406G>T, p.Glu136Ter (NM_006894.6); short protein forms E73*, E116*, E136*.
Identifiers: ClinVar variation 2993513 (VCV002993513.4), dbSNP rs780703747, ClinGen allele CA1240528.

ClinVar aggregate classification (germline): Pathogenic. Review status: criteria provided, multiple submitters, no conflicts (2 of 4 stars). 2 submissions from 2 submitters: Pathogenic (2). Last evaluated 2024-11-24.

Conditions:
Trimethylaminuria (TMAU). Also called: FISH-ODOR SYNDROME; Fish malodor syndrome; Stale fish syndrome; TMAuria; Primary Trimethylaminuria. Identifiers: MedGen C0342739, MONDO:0011182, OMIM 602079, HP:0003614. Disease mechanism: loss of function.

Allele frequency attached by ClinVar (database versions not stated): ExAC 0.00002.
gnomAD v4.1: 24 of 1,613,842 alleles (0.0015%); highest among the groups gnomAD compares: Non-Finnish European, 0.0019%; no homozygotes.

Submissions (2):

Myriad Genetics, Inc.
Classification: Pathogenic for Trimethylaminuria. Last evaluated: 2024-11-24. Review status: criteria provided, single submitter. Criteria: Myriad Autosomal Dominant, Autosomal Recessive and X-Linked Classification Criteria (2023). Collection method: clinical testing. Allele origin: unknown.
Comment: NM_001002294.2(FMO3):c.406G>T(E136*) is expected to be pathogenic in the context of primary trimethylaminuria. This variant is predicted to lead to an abnormal or absent protein product due to the creation of a premature termination codon in FMO3, a gene where loss-of-function variants are known to be pathogenic. Please note: this variant was assessed in the context of healthy population screening.

Labcorp Genetics (formerly Invitae), Labcorp
Classification: Pathogenic. Last evaluated: 2023-01-06. Review status: criteria provided, single submitter. Criteria: Invitae Variant Classification Sherloc (09022015). Collection method: clinical testing. Allele origin: germline.
Comment: This sequence change creates a premature translational stop signal (p.Glu136*) in the FMO3 gene. It is expected to result in an absent or disrupted protein product. Loss-of-function variants in FMO3 are known to be pathogenic (PMID: 20301282). For these reasons, this variant has been classified as Pathogenic. This variant has not been reported in the literature in individuals affected with FMO3-related conditions. This variant is present in population databases (rs780703747, gnomAD 0.002%).

Literature cited by the submitters: PubMed 20301282 (cited by Labcorp Genetics (formerly Invitae), Labcorp).